The following is an entry in ClinVar:

ClinVar aggregate classification (germline): Uncertain significance. Review status: criteria provided, multiple submitters, no conflicts (2 of 4 stars). 3 submissions from 3 submitters: Uncertain significance (2). 1 of the submissions does not count toward it. Last evaluated 2025-05-25.

Conditions:
SYT2-related disorder. Also called: SYT2-related condition.
Inborn genetic diseases. Identifiers: MedGen C0950123, MeSH D030342.

Allele frequency attached by ClinVar (database versions not stated): ExAC 0.00002; gnomAD 0.00002; gnomAD exomes 0.00003 and 0.00004; TOPMed 0.00003.
gnomAD v4.1: 47 of 1,613,912 alleles (0.0029%); highest among the groups gnomAD compares: East Asian, 0.0067%; no homozygotes.

Submissions (3):

Labcorp Genetics (formerly Invitae), Labcorp
Classification: Uncertain significance. Last evaluated: 2025-05-25. Review status: criteria provided, single submitter. Criteria: Invitae Variant Classification Sherloc (09022015). Collection method: clinical testing. Allele origin: germline.
Comment: This sequence change replaces threonine, which is neutral and polar, with methionine, which is neutral and non-polar, at codon 21 of the SYT2 protein (p.Thr21Met). This variant is present in population databases (rs752677756, gnomAD 0.02%). This variant has not been reported in the literature in individuals affected with SYT2-related conditions. ClinVar contains an entry for this variant (Variation ID: 1367343). An algorithm developed to predict the effect of missense changes on protein structure and function (PolyPhen-2) suggests that this variant is likely to be tolerated. In summary, the available evidence is currently insufficient to determine the role of this variant in disease. Therefore, it has been classified as a Variant of Uncertain Significance.

Ambry Genetics
Classification: Uncertain significance for Inborn genetic diseases. Last evaluated: 2024-04-04. Review status: criteria provided, single submitter. Criteria: Ambry Variant Classification Scheme 2023. Collection method: clinical testing. Allele origin: germline.

PreventionGenetics, part of Exact Sciences
Classification: Uncertain significance for SYT2-related condition. Last evaluated: 2024-07-09. Review status: no assertion criteria provided. Collection method: clinical testing. Allele origin: germline. Not counted in ClinVar's aggregate classification.
Comment: The SYT2 c.62C>T variant is predicted to result in the amino acid substitution p.Thr21Met. To our knowledge, this variant has not been reported in the literature. This variant is reported in 0.015% of alleles in individuals of East Asian descent in gnomAD. At this time, the clinical significance of this variant is uncertain due to the absence of conclusive functional and genetic evidence.

NM_177402.5(SYT2):c.62C>T (p.Thr21Met)

Gene: SYT2 (synaptotagmin 2; minus strand). Cytogenetic location: 1q32.1.
Variant type: single nucleotide variant.
Coding change: c.62C>T on transcript NM_177402.5 (MANE Select); coding-DNA position 62, C replaced by T.
Protein change: p.Thr21Met; replaces threonine 21 with methionine.
Molecular consequence: missense variant.
Genome position (GRCh38, 1-based): chr1:202,605,711, G>A on the plus strand (C>T on the coding strand, the complement: SYT2 is on the minus strand). VCF-style: chr1-202605711-G-A. GRCh37 (hg19) VCF-style: chr1-202574839-G-A.
Other names: c.62C>T, p.Thr21Met (NM_001136504.1); c.62C>T (NM_177402.4); short protein forms T21M.
Identifiers: ClinVar variation 1367343 (VCV001367343.8), dbSNP rs752677756, ClinGen allele CA1333872.